The following is an entry in ClinVar:

NM_001184.4(ATR):c.4604A>G (p.Tyr1535Cys)

Gene: ATR (ATR serine/threonine kinase; minus strand). Cytogenetic location: 3q23.
Variant type: single nucleotide variant.
Coding change: c.4604A>G on transcript NM_001184.4 (MANE Select); coding-DNA position 4604, A replaced by G.
Protein change: p.Tyr1535Cys; replaces tyrosine 1535 with cysteine.
Molecular consequence: missense variant.
Genome position (GRCh38, 1-based): chr3:142,513,538, T>C on the plus strand (A>G on the coding strand, the complement: ATR is on the minus strand). VCF-style: chr3-142513538-T-C. GRCh37 (hg19) VCF-style: chr3-142232380-T-C.
Other names: c.4412A>G, p.Tyr1471Cys (NM_001354579.2); short protein forms Y1471C, Y1535C.
Identifiers: ClinVar variation 3330899 (VCV003330899.1).
Genomic context (GRCh38, chr3:142,513,538, plus strand): 5'-CCAAGTAAGATGATTTATCTCACCTCCTGCTGATCTTCTTGATTACAACCCAGTAAGACA[T>C]ACACCAGAATATGTGGAAGAAGATAGATGGTCACTTTGAAATCATGCTTCATCATAATGC-3'
Protein context (NP_001175.2, residues 1525-1545): TIYLLPHILV[Tyr1535Cys]VLLGCNQEDQ

ClinVar aggregate classification (germline): Uncertain significance (1 of 4 stars; one submission).

Conditions:
Inborn genetic diseases. Identifiers: MedGen C0950123, MeSH D030342.

gnomAD v4.1: 3 of 1,613,342 alleles (0.00019%); highest among the groups gnomAD compares: Non-Finnish European, 0.000085%; no homozygotes.

Submission:

Ambry Genetics
Classification: Uncertain significance for Inborn genetic diseases. Last evaluated: 2024-05-04. Review status: criteria provided, single submitter. Criteria: Ambry Variant Classification Scheme 2023. Collection method: clinical testing. Allele origin: germline.
Comment: The p.Y1535C variant (also known as c.4604A>G), located in coding exon 26 of the ATR gene, results from an A to G substitution at nucleotide position 4604. The tyrosine at codon 1535 is replaced by cysteine, an amino acid with highly dissimilar properties. This amino acid position is conserved. In addition, the in silico prediction for this alteration is inconclusive. Based on the available evidence, the clinical significance of this variant remains unclear.